The following is an entry in ClinVar:

NM_017534.6(MYH2):c.3585G>A (p.Ala1195=)

Genes: MYH2 (myosin heavy chain 2; minus strand), MYHAS (myosin heavy chain gene cluster antisense RNA; plus strand). Cytogenetic location: 17p13.1.
Variant type: single nucleotide variant.
Coding change: c.3585G>A on transcript NM_017534.6 (MANE Select); coding-DNA position 3585, G replaced by A.
Protein change: p.Ala1195=; no amino-acid change (alanine 1195 retained).
Molecular consequence: synonymous variant.
Genome position (GRCh38, 1-based): chr17:10,528,849, C>T on the plus strand (G>A on the coding strand, the complement: MYH2 is on the minus strand). VCF-style: chr17-10528849-C-T. GRCh37 (hg19) VCF-style: chr17-10432166-C-T.
Other names: c.3585G>A, p.Ala1195= (NM_001100112.2).
Identifiers: ClinVar variation 289930 (VCV000289930.23), dbSNP rs143988052, ClinGen allele CA8390859.

ClinVar aggregate classification (germline): Conflicting classifications of pathogenicity. Review status: criteria provided, conflicting classifications (1 of 4 stars). 3 submissions from 3 submitters: Uncertain significance (1); Benign (1); Likely benign (1). Last evaluated 2026-01-18.

Conditions:
Myopathy, proximal, and ophthalmoplegia (CMYO6). Also called: INCLUSION BODY MYOPATHY 3, AUTOSOMAL DOMINANT; CONGENITAL MYOPATHY 6 WITH OPHTHALMOPLEGIA; MYOPATHY WITH CONGENITAL JOINT CONTRACTURES, OPHTHALMOPLEGIA, AND RIMMED VACUOLES. Identifiers: Orphanet 363677, Orphanet 79091, MedGen C1854106, MONDO:0011577, OMIM 605637.

Allele frequency attached by ClinVar (database versions not stated): gnomAD exomes 0.00007 and 0.00020; ExAC 0.00026; gnomAD 0.00065 and 0.00068; ESP Exome Variant Server 0.00077; TOPMed 0.00081; 1000 Genomes Project 30x 0.00125; 1000 Genomes Project 0.00140.
gnomAD v4.1: 203 of 1,614,208 alleles (0.013%); highest among the groups gnomAD compares: African/African-American, 0.21%; no homozygotes.

Submissions (3):

Labcorp Genetics (formerly Invitae), Labcorp
Classification: Benign for Myopathy, proximal, and ophthalmoplegia. Last evaluated: 2026-01-18. Review status: criteria provided, single submitter. Criteria: Invitae Variant Classification Sherloc (09022015). Collection method: clinical testing. Allele origin: germline.

CeGaT Center for Human Genetics Tuebingen
Classification: Likely benign. Last evaluated: 2025-06-01. Review status: criteria provided, single submitter. Criteria: CeGaT Center For Human Genetics Tuebingen Variant Classification Criteria Version 2. Collection method: clinical testing. Allele origin: germline. Affected: yes. Observed: 1 variant allele.
Comment: MYH2: BP4, BP7

Eurofins Ntd Llc (ga)
Classification: Uncertain significance. Last evaluated: 2016-08-24. Review status: criteria provided, single submitter. Criteria: EGL Classification Definitions 2015. Collection method: clinical testing. Allele origin: germline. Observed: 1 variant allele, 1 heterozygote.